The following is an entry in ClinVar:

NM_000277.3(PAH):c.856G>A (p.Glu286Lys)

Genes: PAH (phenylalanine hydroxylase; minus strand), LOC126861615 (CDK7 strongly-dependent group 2 enhancer GRCh37_chr12:103244689-103245888; plus strand). Cytogenetic location: 12q23.2.
Variant type: single nucleotide variant.
Coding change: c.856G>A on transcript NM_000277.3 (MANE Select); coding-DNA position 856, G replaced by A.
Protein change: p.Glu286Lys; replaces glutamic acid 286 with lysine.
Molecular consequence: missense variant.
Genome position (GRCh38, 1-based): chr12:102,851,743, C>T on the plus strand (G>A on the coding strand, the complement: PAH is on the minus strand). VCF-style: chr12-102851743-C-T. GRCh37 (hg19) VCF-style: chr12-103245521-C-T.
Other names: NM_000277.2(PAH):c.856G>A; c.856G>A, p.Glu286Lys (NM_001354304.2); c.856G>A (NM_000277.2); short protein forms E286K.
Identifiers: ClinVar variation 102880 (VCV000102880.13), dbSNP rs62508739, ClinGen allele CA229826.

ClinVar aggregate classification (germline): Pathogenic. Review status: reviewed by expert panel (3 of 4 stars). 5 submissions from 5 submitters: Pathogenic (1). 4 of the submissions do not count toward it. Last evaluated 2018-12-09.

Conditions:
Phenylketonuria (PKU). Also called: Phenylketonuria (PKU); FOLLING DISEASE; OLIGOPHRENIA PHENYLPYRUVICA; Phenylketonurias. Identifiers: Orphanet 716, MedGen C0031485, MONDO:0009861, OMIM 261600. Disease mechanism: loss of function.

Allele frequency attached by ClinVar (database versions not stated): TOPMed below 0.00001; ExAC 0.00002.
gnomAD v4.1: 1 of 1,614,032 alleles (0.000062%); highest among the groups gnomAD compares: East Asian, 0.0022%; no homozygotes.

Submissions (5):

ClinGen PAH Variant Curation Expert Panel
Classification: Pathogenic for Phenylketonuria. Last evaluated: 2018-12-09. Review status: reviewed by expert panel. Criteria: ClinGen PAH ACMG Specifications v1. Collection method: curation. Allele origin: germline. Inheritance: Autosomal recessive inheritance.
Comment: The c.856G>A (p.Glu286Lys) variant in PAH is present with low frequency in population databases (1.2e-4), and is predicted to be deleterious using in silico algorithms. It has been identified in trans with pathogenic variants in two independent patients (R243Q, R241C), and has been identified in a patients with Phenylketonuria in which a defect in BH4 metabolism has been excluded (PMID: 14722928, 24401910). Enzyme activity has been measured as 1% of wild type controls (BioPKU). In summary, this variant meets criteria to be classified as pathogenic for PAH. PAH-specific ACMG/AMP criteria applied: PM2, PM3, PP4_Moderate, PS3, PP3.

Natera, Inc.
Classification: Pathogenic for Phenylketonuria. Last evaluated: 2025-03-11. Review status: criteria provided, single submitter. Criteria: Natera Variant Classification Schema (03/2026). Collection method: clinical testing. Allele origin: germline. Not counted in ClinVar's aggregate classification.
Comment: The c.856G>A variant in PAH is a missense variant predicted to cause substitution of glutamic acid to lysine at amino acid 286. This variant is rare in the general population with a frequency below the threshold expected for the associated phenotype(s). This variant has been observed in one or more individuals affected with the associated recessive disease, as either homozygous or compound heterozygous with a second variant (PMID: 24401910). Given the available evidence, this variant is classified as Pathogenic.

Labcorp Genetics (formerly Invitae), Labcorp
Classification: Pathogenic for Phenylketonuria. Last evaluated: 2024-01-22. Review status: criteria provided, single submitter. Criteria: Invitae Variant Classification Sherloc (09022015). Collection method: clinical testing. Allele origin: germline. Not counted in ClinVar's aggregate classification.
Comment: This sequence change replaces glutamic acid, which is acidic and polar, with lysine, which is basic and polar, at codon 286 of the PAH protein (p.Glu286Lys). This variant is present in population databases (rs62508739, gnomAD 0.01%). This missense change has been observed in individual(s) with phenylketonuria (PMID: 14722928, 29499199). ClinVar contains an entry for this variant (Variation ID: 102880). Advanced modeling of protein sequence and biophysical properties (such as structural, functional, and spatial information, amino acid conservation, physicochemical variation, residue mobility, and thermodynamic stability) performed at Invitae indicates that this missense variant is expected to disrupt PAH protein function with a positive predictive value of 80%. For these reasons, this variant has been classified as Pathogenic.

Women's Health and Genetics/Laboratory Corporation of America, LabCorp
Classification: Pathogenic for Phenylketonuria. Last evaluated: 2022-12-02. Review status: criteria provided, single submitter. Criteria: LabCorp Variant Classification Summary - May 2015. Collection method: clinical testing. Allele origin: germline. Not counted in ClinVar's aggregate classification.
Comment: Variant summary: PAH c.856G>A (p.Glu286Lys) results in a conservative amino acid change located in the Aromatic amino acid hydroxylase, C-terminal domain of the encoded protein sequence. Four of five in-silico tools predict a damaging effect of the variant on protein function. The variant allele was found at a frequency of 1.2e-05 in 250962 control chromosomes. c.856G>A has been reported in the literature in multiple individuals affected with classical PKU, mild PKU and MHP (eg. Liang_2014, Wang_2018, etc). These data indicate that the variant is very likely to be associated with disease. PAH activity from COS-1 cells transfected with the showed the variant to have <10% PAH activity compared to wild-type (Liang_2014). One diagnostic clinical lab and one expert panel have submitted clinical-significance assessments for this variant to ClinVar after 2014 without evidence for independent evaluation. All laboratories classified the variant as pathogenic. Based on the evidence outlined above, the variant was classified as pathogenic.

DeBelle Laboratory for Biochemical Genetics, MUHC/MCH RESEARCH INSTITUTE
No classification provided. Review status: no classification provided. Collection method: not provided. Allele origin: not provided. Not counted in ClinVar's aggregate classification.

Literature cited by the submitters: PubMed 24401910 (cited by 3 submitters); PubMed 14722928 (cited by ClinGen PAH Variant Curation Expert Panel and Labcorp Genetics (formerly Invitae), Labcorp); PubMed 29499199 (cited by Labcorp Genetics (formerly Invitae), Labcorp and Women's Health and Genetics/Laboratory Corporation of America, LabCorp).